The following is an entry in ClinVar:

ClinVar aggregate classification (germline): Uncertain significance (1 of 4 stars; one submission).

Conditions:
PIEZO1-related disorder. Also called: PIEZO1-related condition; PIEZO1-Related Disorders.

Submission:

PreventionGenetics, part of Exact Sciences
Classification: Uncertain significance for PIEZO1-related condition. Last evaluated: 2023-05-26. Review status: criteria provided, single submitter. Criteria: ACMG Guidelines, 2015. Collection method: clinical testing. Allele origin: germline.
Comment: The PIEZO1 c.6598G>C variant is predicted to result in the amino acid substitution p.Val2200Leu. To our knowledge, this variant has not been reported in the literature or in a large population database, indicating this variant is rare. At this time, the clinical significance of this variant is uncertain due to the absence of conclusive functional and genetic evidence.

NM_001142864.4(PIEZO1):c.6598G>C (p.Val2200Leu)

Gene: PIEZO1 (piezo type mechanosensitive ion channel component 1 (Er blood group); minus strand). Cytogenetic location: 16q24.3.
Variant type: single nucleotide variant.
Coding change: c.6598G>C on transcript NM_001142864.4 (MANE Select); coding-DNA position 6598, G replaced by C.
Protein change: p.Val2200Leu; replaces valine 2200 with leucine.
Molecular consequence: missense variant.
Genome position (GRCh38, 1-based): chr16:88,717,085, C>G on the plus strand (G>C on the coding strand, the complement: PIEZO1 is on the minus strand). VCF-style: chr16-88717085-C-G. GRCh37 (hg19) VCF-style: chr16-88783493-C-G.
Other names: c.5140G>C, p.Val1714Leu (NM_014745.1); short protein forms V1714L, V2200L.
Identifiers: ClinVar variation 2632281 (VCV002632281.1), dbSNP rs780666075, ClinGen allele CA397079162.
Genomic context (GRCh38, chr16:88,717,085, plus strand): 5'-CATAGCCGCCCAGCTTCAGGGTGACGGTGACATCGATGGGCTGGTTGACAACCCCAACCA[C>G]GGAGCGCACCAGCGACATGAAGAGCAGTGGGAACCAGATGATGGCGATGAGGAAGAGGAT-3'
Protein context (NP_001136336.2, residues 2190-2210): PLLFMSLVRS[Val2200Leu]VGVVNQPIDV